The following is an entry in ClinVar:

ClinVar aggregate classification (germline): Uncertain significance (1 of 4 stars; one submission).

Submission:

Labcorp Genetics (formerly Invitae), Labcorp
Classification: Uncertain significance. Last evaluated: 2025-06-29. Review status: criteria provided, single submitter. Criteria: Invitae Variant Classification Sherloc (09022015). Collection method: clinical testing. Allele origin: germline.
Comment: This sequence change replaces arginine, which is basic and polar, with proline, which is neutral and non-polar, at codon 1058 of the RAI1 protein (p.Arg1058Pro). This variant is not present in population databases (gnomAD no frequency). This variant has not been reported in the literature in individuals affected with RAI1-related conditions. Invitae Evidence Modeling of protein sequence and biophysical properties (such as structural, functional, and spatial information, amino acid conservation, physicochemical variation, residue mobility, and thermodynamic stability) indicates that this missense variant is expected to disrupt RAI1 protein function with a positive predictive value of 80%. In summary, the available evidence is currently insufficient to determine the role of this variant in disease. Therefore, it has been classified as a Variant of Uncertain Significance.

NM_030665.4(RAI1):c.3173G>C (p.Arg1058Pro)

Gene: RAI1 (retinoic acid induced 1; plus strand). Cytogenetic location: 17p11.2.
Variant type: single nucleotide variant.
Coding change: c.3173G>C on transcript NM_030665.4 (MANE Select); coding-DNA position 3173, G replaced by C.
Protein change: p.Arg1058Pro; replaces arginine 1058 with proline.
Molecular consequence: missense variant.
Genome position (GRCh38, 1-based): chr17:17,796,121, G>C. VCF-style: chr17-17796121-G-C. GRCh37 (hg19) VCF-style: chr17-17699435-G-C.
Other names: short protein forms R1058P.
Identifiers: ClinVar variation 4743552 (VCV004743552.1).
Genomic context (GRCh38, chr17:17,796,121, plus strand): 5'-TGGAAGGGGCTGGAGCCCCAGGCCGGGGGGCCTCGGAAGGGCTCCCCAGGATGTGTACTC[G>C]TTCTCTCACGGCCCTGAGTGAGCCCCGCACGCCCGGACCCCCAGGCCTGACCACCACCCC-3'
Protein context (NP_109590.3, residues 1048-1068): ASEGLPRMCT[Arg1058Pro]SLTALSEPRT